The following is an entry in ClinVar:

NM_014008.5(CCDC22):c.1091A>C (p.Gln364Pro)

Gene: CCDC22 (coiled-coil domain containing 22; plus strand). Cytogenetic location: Xp11.23.
Variant type: single nucleotide variant.
Coding change: c.1091A>C on transcript NM_014008.5 (MANE Select); coding-DNA position 1091, A replaced by C.
Protein change: p.Gln364Pro; replaces glutamine 364 with proline.
Molecular consequence: missense variant.
Genome position (GRCh38, 1-based): chrX:49,247,767, A>C. VCF-style: chrX-49247767-A-C. GRCh37 (hg19) VCF-style: chrX-49104228-A-C.
Other names: short protein forms Q364P.
Identifiers: ClinVar variation 3347432 (VCV003347432.1).

ClinVar aggregate classification (germline): Uncertain significance (0 of 4 stars; one submission).

Conditions:
CCDC22-related disorder. Also called: CCDC22-related condition.

gnomAD v4.1: 1 of 1,211,101 alleles (0.000083%); highest among the groups gnomAD compares: Non-Finnish European, 0.00011%; no homozygotes.

Submission:

PreventionGenetics, part of Exact Sciences
Classification: Uncertain significance for CCDC22-related condition. Last evaluated: 2024-06-28. Review status: no assertion criteria provided. Collection method: clinical testing. Allele origin: germline.
Comment: The CCDC22 c.1091A>C variant is predicted to result in the amino acid substitution p.Gln364Pro. To our knowledge, this variant has not been reported in the literature or in a large population database, indicating this variant is rare. At this time, the clinical significance of this variant is uncertain due to the absence of conclusive functional and genetic evidence.